The following is an entry in ClinVar:

NM_000038.6(APC):c.4446T>C (p.Leu1482=)

Gene: APC (APC regulator of Wnt signaling pathway; plus strand). Cytogenetic location: 5q22.2.
Variant type: single nucleotide variant.
Coding change: c.4446T>C on transcript NM_000038.6 (MANE Select); coding-DNA position 4446, T replaced by C.
Protein change: p.Leu1482=; no amino-acid change (leucine 1482 retained).
Molecular consequence: synonymous variant. On other transcripts: non-coding transcript variant (2).
Genome position (GRCh38, 1-based): chr5:112,840,040, T>C. VCF-style: chr5-112840040-T-C. GRCh37 (hg19) VCF-style: chr5-112175737-T-C.
Other names: c.4143T>C, p.Leu1381= (NM_001407458.1, NM_001407459.1, NM_001407460.1 and 1 more transcripts); c.4059T>C, p.Leu1353= (NM_001407467.1, NM_001407469.1); c.3597T>C, p.Leu1199= (NM_001407470.1, NM_001354906.2); c.3294T>C, p.Leu1098= (NM_001407471.1, NM_001407472.1); c.4446T>C, p.Leu1482= (NM_001127510.3, NM_001354895.2, NM_001407450.1); c.4392T>C, p.Leu1464= (NM_001127511.3); c.4500T>C, p.Leu1500= (NM_001354896.2, NM_001407447.1, NM_001407448.1 and 1 more transcripts); c.4476T>C, p.Leu1492= (NM_001354897.2); and 11 more.
Identifiers: ClinVar variation 3148014 (VCV003148014.1), dbSNP rs2533575799, ClinGen allele CA446206482.

ClinVar aggregate classification (germline): Benign (1 of 4 stars; one submission).

Conditions:
Familial adenomatous polyposis 1 (FAP1). Also called: POLYPOSIS, ADENOMATOUS INTESTINAL; FAMILIAL ADENOMATOUS POLYPOSIS 1, ATTENUATED. Identifiers: MedGen C2713442, MONDO:0021056, OMIM 175100. Disease mechanism: loss of function.

Submission:

Myriad Genetics, Inc.
Classification: Benign for Familial adenomatous polyposis 1. Last evaluated: 2024-03-27. Review status: criteria provided, single submitter. Criteria: Myriad Autosomal Dominant, Autosomal Recessive and X-Linked Classification Criteria (2023). Collection method: clinical testing. Allele origin: unknown.
Comment: This variant is considered benign. This variant is a silent/synonymous amino acid change and it is not expected to impact splicing.